The following is an entry in ClinVar:

NM_001038.6(SCNN1A):c.684+9C>T

Gene: SCNN1A (sodium channel epithelial 1 subunit alpha; minus strand). Cytogenetic location: 12p13.31.
Variant type: single nucleotide variant.
Coding change: c.684+9C>T on transcript NM_001038.6 (MANE Select); 9 bases into the intron after coding-DNA position 684, C replaced by T.
Molecular consequence: intron variant.
Genome position (GRCh38, 1-based): chr12:6,363,434, G>A on the plus strand (C>T on the coding strand, the complement: SCNN1A is on the minus strand). VCF-style: chr12-6363434-G-A. GRCh37 (hg19) VCF-style: chr12-6472600-G-A.
Other names: c.753+9C>T (NM_001159575.2); c.861+9C>T (NM_001159576.2).
Identifiers: ClinVar variation 310150 (VCV000310150.12), dbSNP rs111317117, ClinGen allele CA6406147.
Genomic context (GRCh38, chr12:6,363,434, plus strand): 5'-AGCCCATGGGTGGGCGGGGCCAGGGGCCGGCGAGGGGCGGGGCGGGCCCCTCGGCGCTGC[G>A]GGCCTCACCAGCTGGAAGCCGATCTTCCAGTCCTTCCAGTCCACCTGGGGGTTGTTGTCC-3'

ClinVar aggregate classification (germline): Benign/Likely benign. Review status: criteria provided, multiple submitters, no conflicts (2 of 4 stars). 5 submissions from 4 submitters: Benign (3); Likely benign (2). Last evaluated 2026-01-19.

Conditions:
Pseudohypoaldosteronism, type IB1, autosomal recessive. Also called: Pseudohypoaldosteronism, Type I, Autosomal Recessive; PHA I, AUTOSOMAL RECESSIVE; Pseudohypoaldosteronism, Type I, Recessive; Autosomal recessive pseudohypoaldosteronism type 1. Identifiers: Orphanet 171876, Orphanet 756, MedGen C5774176, MONDO:0009917, OMIM 264350.
Liddle syndrome 3. Identifiers: MedGen C4748292, MONDO:0029132, OMIM 618126.
Bronchiectasis with or without elevated sweat chloride 2 (BESC2). Identifiers: Orphanet 60033, MedGen C2751666, MONDO:0013087, OMIM 613021.

Allele frequency attached by ClinVar (database versions not stated): 1000 Genomes Project 30x 0.00078; 1000 Genomes Project 0.00080; TOPMed 0.00301; gnomAD 0.00357 and 0.00378; gnomAD exomes 0.00364; ESP Exome Variant Server 0.00405; ExAC 0.01454.
gnomAD v4.1: 7,921 of 1,549,718 alleles (0.51%); highest among the groups gnomAD compares: Non-Finnish European, 0.64%; 27 homozygotes.

Submissions (5):

Labcorp Genetics (formerly Invitae), Labcorp
Classification: Benign. Last evaluated: 2026-01-19. Review status: criteria provided, single submitter. Criteria: Invitae Variant Classification Sherloc (09022015). Collection method: clinical testing. Allele origin: germline.

Fulgent Genetics
Classification: Likely benign for Pseudohypoaldosteronism, type IB1, autosomal recessive; Bronchiectasis with or without elevated sweat chloride 2; Liddle syndrome 3. Last evaluated: 2021-08-19. Review status: criteria provided, single submitter. Criteria: ACMG Guidelines, 2015. Collection method: clinical testing. Allele origin: unknown.

GeneDx
Classification: Likely benign. Last evaluated: 2019-12-19. Review status: criteria provided, single submitter. Criteria: GeneDx Variant Classification Process June 2021. Collection method: clinical testing. Allele origin: germline. Affected: yes.

Illumina Laboratory Services, Illumina
Classification: Benign for Bronchiectasis with or without elevated sweat chloride 2. Last evaluated: 2018-01-13. Review status: criteria provided, single submitter. Criteria: ICSL Variant Classification Criteria 13 December 2019. Collection method: clinical testing. Allele origin: germline.
Comment: This variant was observed in the ICSL laboratory as part of a predisposition screen in an ostensibly healthy population. It had not been previously curated by ICSL or reported in the Human Gene Mutation Database (HGMD: prior to June 1st, 2018), and was therefore a candidate for classification through an automated scoring system. Utilizing variant allele frequency, disease prevalence and penetrance estimates, and inheritance mode, an automated score was calculated to assess if this variant is too frequent to cause the disease. Based on the score and internal cut-off values, a variant classified as benign is not then subjected to further curation. The score for this variant resulted in a classification of benign for this disease.

Illumina Laboratory Services, Illumina
Classification: Benign for Pseudohypoaldosteronism, type IB1, autosomal recessive. Last evaluated: 2018-01-13. Review status: criteria provided, single submitter. Criteria: ICSL Variant Classification Criteria 13 December 2019. Collection method: clinical testing. Allele origin: germline.
Comment: the same text as in the submission from Illumina Laboratory Services, Illumina above.